The following is an entry in ClinVar:

ClinVar aggregate classification (germline): Benign/Likely benign. Review status: criteria provided, multiple submitters, no conflicts (2 of 4 stars). 2 submissions from 2 submitters: Benign (1); Likely benign (1). Last evaluated 2025-04-28.

Allele frequency attached by ClinVar (database versions not stated): gnomAD exomes 0.00003 and 0.00021; gnomAD 0.00007; TOPMed 0.00012; ExAC 0.00014; 1000 Genomes Project 30x 0.00016; 1000 Genomes Project 0.00020.
gnomAD v4.1: 59 of 1,572,684 alleles (0.0038%); highest among the groups gnomAD compares: East Asian, 0.13%; no homozygotes.

Submissions (2):

Labcorp Genetics (formerly Invitae), Labcorp
Classification: Benign. Last evaluated: 2025-04-28. Review status: criteria provided, single submitter. Criteria: Invitae Variant Classification Sherloc (09022015). Collection method: clinical testing. Allele origin: germline.

GeneDx
Classification: Likely benign. Last evaluated: 2016-10-13. Review status: criteria provided, single submitter. Criteria: GeneDx Variant Classification (06012015). Collection method: clinical testing. Allele origin: germline. Affected: yes.
Comment: This variant is considered likely benign or benign based on one or more of the following criteria: it is a conservative change, it occurs at a poorly conserved position in the protein, it is predicted to be benign by multiple in silico algorithms, and/or has population frequency not consistent with disease.

NM_001080449.3(DNA2):c.1763+14A>C

Gene: DNA2 (DNA replication helicase/nuclease 2; minus strand). Cytogenetic location: 10q21.3.
Variant type: single nucleotide variant.
Coding change: c.1763+14A>C on transcript NM_001080449.3 (MANE Select); 14 bases into the intron after coding-DNA position 1763, A replaced by C.
Molecular consequence: intron variant.
Genome position (GRCh38, 1-based): chr10:68,432,380, T>G on the plus strand (A>C on the coding strand, the complement: DNA2 is on the minus strand). VCF-style: chr10-68432380-T-G. GRCh37 (hg19) VCF-style: chr10-70192137-T-G.
Identifiers: ClinVar variation 389620 (VCV000389620.6), dbSNP rs544079864, ClinGen allele CA5524989.